The following is an entry in ClinVar:

ClinVar aggregate classification (germline): Likely benign. Review status: criteria provided, multiple submitters, no conflicts (2 of 4 stars). 2 submissions from 2 submitters: Likely benign (2). Last evaluated 2023-07-29.

Allele frequency attached by ClinVar (database versions not stated): gnomAD exomes below 0.00001.
gnomAD v4.1: 3 of 1,614,066 alleles (0.00019%); highest among the groups gnomAD compares: South Asian, 0.0033%; no homozygotes.

Submissions (2):

Labcorp Genetics (formerly Invitae), Labcorp
Classification: Likely benign. Last evaluated: 2023-07-29. Review status: criteria provided, single submitter. Criteria: Invitae Variant Classification Sherloc (09022015). Collection method: clinical testing. Allele origin: germline.

GeneDx
Classification: Likely benign. Last evaluated: 2018-04-25. Review status: criteria provided, single submitter. Criteria: GeneDx Variant Classification (06012015). Collection method: clinical testing. Allele origin: germline. Affected: yes.
Comment: This variant is considered likely benign or benign based on one or more of the following criteria: it is a conservative change, it occurs at a poorly conserved position in the protein, it is predicted to be benign by multiple in silico algorithms, and/or has population frequency not consistent with disease.

NM_080680.3(COL11A2):c.3690+9C>T

Gene: COL11A2 (collagen type XI alpha 2 chain; minus strand). Cytogenetic location: 6p21.32.
Variant type: single nucleotide variant.
Coding change: c.3690+9C>T on transcript NM_080680.3 (MANE Select); 9 bases into the intron after coding-DNA position 3690, C replaced by T.
Molecular consequence: intron variant.
Genome position (GRCh38, 1-based): chr6:33,169,822, G>A on the plus strand (C>T on the coding strand, the complement: COL11A2 is on the minus strand). VCF-style: chr6-33169822-G-A. GRCh37 (hg19) VCF-style: chr6-33137599-G-A.
Other names: c.3369+9C>T (NM_080679.3); c.3432+9C>T (NM_080681.3).
Identifiers: ClinVar variation 681896 (VCV000681896.4), dbSNP rs1397368233, ClinGen allele CA566427040.